The following is an entry in ClinVar:

ClinVar aggregate classification (germline): Pathogenic. Review status: criteria provided, single submitter (1 of 4 stars). 2 submissions from 2 submitters: Pathogenic (1). 1 of the submissions does not count toward it. Last evaluated 2025-03-05.

Conditions:
Spongy degeneration of central nervous system. Also called: Canavan disease; AMINOACYLASE 2 DEFICIENCY; ACY2 DEFICIENCY; ASP DEFICIENCY; ASPA DEFICIENCY; ASPARTOACYLASE DEFICIENCY. Identifiers: Orphanet 141, MedGen C0206307, MONDO:0010079, OMIM 271900.

Allele frequency attached by ClinVar (database versions not stated): gnomAD exomes below 0.00001; TOPMed 0.00001.
gnomAD v4.1: 1 of 1,606,016 alleles (0.000062%); highest among the groups gnomAD compares: Non-Finnish European, 0.000085%; no homozygotes.

Submissions (2):

Natera, Inc.
Classification: Pathogenic for Canavan Disease. Last evaluated: 2025-03-05. Review status: criteria provided, single submitter. Criteria: Natera Variant Classification Schema (03/2026). Collection method: clinical testing. Allele origin: germline.
Comment: The c.640G>T variant in ASPA is a nonsense variant predicted to introduce a stop codon at amino acid 214. This variant is expected to result in nonsense mediated decay, truncation, or a dysfunctional protein product. This variant is rare in the general population with a frequency below the threshold expected for the associated phenotype(s). This variant has been observed in one or more individuals affected with the associated recessive disease, as either homozygous or compound heterozygous with a second variant (PMID: 12638939). Given the available evidence, this variant is classified as Pathogenic.

Counsyl
Classification: Likely pathogenic for Spongy degeneration of central nervous system. Last evaluated: 2016-01-18. Review status: no assertion criteria provided. Collection method: clinical testing. Allele origin: unknown. Not counted in ClinVar's aggregate classification.

Literature cited by the submitters: PubMed 12638939 (cited by Natera, Inc. and Counsyl); PubMed 17391648 (cited by Counsyl); PubMed 16802711 (cited by Counsyl).

NM_000049.4(ASPA):c.640G>T (p.Glu214Ter)

Genes: ASPA (aspartoacylase; plus strand), SPATA22 (spermatogenesis associated 22; minus strand). Cytogenetic location: 17p13.2.
Variant type: single nucleotide variant.
Coding change: c.640G>T on transcript NM_000049.4 (MANE Select); coding-DNA position 640, G replaced by T.
Protein change: p.Glu214Ter; replaces glutamic acid 214 with a stop codon.
Molecular consequence: nonsense. On other transcripts: intron variant (2).
Genome position (GRCh38, 1-based): chr17:3,494,355, G>T. VCF-style: chr17-3494355-G-T. GRCh37 (hg19) VCF-style: chr17-3397649-G-T.
Other names: c.640G>T, p.Glu214Ter (NM_001128085.1); c.-74+19057C>A (NM_001321336.2, NM_001321337.2); short protein forms E214*.
Identifiers: ClinVar variation 370344 (VCV000370344.6), dbSNP rs1057516416, ClinGen allele CA16041824.
Genomic context (GRCh38, chr17:3,494,355, plus strand): 5'-CACCCGGCCCAGAGATGTTTTTAGTTGCCATTGATACATATTGTTTTTGTCATAGGAAAA[G>T]AATTTCCTCCCTGCGCCATTGAGGTCTATAAAATTATAGAGAAAGTTGATTACCCCCGGG-3'